The following is an entry in ClinVar:

NM_015102.5(NPHP4):c.1632C>T (p.Ala544=)

Gene: NPHP4 (nephrocystin 4; minus strand). Cytogenetic location: 1p36.31.
Variant type: single nucleotide variant.
Coding change: c.1632C>T on transcript NM_015102.5 (MANE Select); coding-DNA position 1632, C replaced by T.
Protein change: p.Ala544=; no amino-acid change (alanine 544 retained).
Molecular consequence: synonymous variant. On other transcripts: non-coding transcript variant (1).
Genome position (GRCh38, 1-based): chr1:5,905,763, G>A on the plus strand (C>T on the coding strand, the complement: NPHP4 is on the minus strand). VCF-style: chr1-5905763-G-A. GRCh37 (hg19) VCF-style: chr1-5965823-G-A.
Other names: c.93C>T, p.Ala31= (NM_001291593.2); c.96C>T, p.Ala32= (NM_001291594.2).
Identifiers: ClinVar variation 194411 (VCV000194411.23), dbSNP rs201903713, ClinGen allele CA240343.
Genomic context (GRCh38, chr1:5,905,763, plus strand): 5'-AATGGATGTTTCCAGGACCAGGGAGGTCTGGCTCAGGTCGGCTTCCAGGTGGGAGATACC[G>A]GCCTCCAACGGGAACTCCTGCTGAACAAAACGAGGGCTTCCAAGTGAGGCCACCAAGGAC-3'
Protein context (NP_055917.1, residues 534-554): PAQAQEFPLE[Ala544=]GISHLEADLS

ClinVar aggregate classification (germline): Conflicting classifications of pathogenicity. Review status: criteria provided, conflicting classifications (1 of 4 stars). 7 submissions from 6 submitters: Uncertain significance (1); Benign (1); Likely benign (3). 2 of the submissions do not count toward it. Last evaluated 2026-01-15.

Conditions:
Nephronophthisis. Also called: Juvenile Nephronophthisis. Identifiers: Orphanet 655, MedGen C0687120, MONDO:0019005, HP:0000090.
Senior-Loken syndrome 4 (SLSN4). Identifiers: Orphanet 3156, MedGen C1846979, MONDO:0011756, OMIM 606996.
Nephronophthisis 4 (NPHP4). Also called: NEPHRONOPHTHISIS 4, JUVENILE. Identifiers: Orphanet 655, MedGen C1847013, MONDO:0011752, OMIM 606966.

Allele frequency attached by ClinVar (database versions not stated): ESP Exome Variant Server 0.00025; gnomAD 0.00025 and 0.00028; 1000 Genomes Project 0.00040; TOPMed 0.00043; 1000 Genomes Project 30x 0.00047; gnomAD exomes 0.00056; ExAC 0.00080.
gnomAD v4.1: 428 of 1,609,264 alleles (0.027%); highest among the groups gnomAD compares: Middle Eastern, 0.46%; 4 homozygotes.

Submissions (7):

Labcorp Genetics (formerly Invitae), Labcorp
Classification: Benign for Nephronophthisis. Last evaluated: 2026-01-15. Review status: criteria provided, single submitter. Criteria: Invitae Variant Classification Sherloc (09022015). Collection method: clinical testing. Allele origin: germline.

Blueprint Genetics
Classification: Likely benign. Last evaluated: 2024-11-25. Review status: criteria provided, single submitter. Criteria: ACMG Guidelines, 2015. Collection method: clinical testing. Allele origin: germline.

Eurofins Ntd Llc (ga)
Classification: Uncertain significance. Last evaluated: 2018-07-24. Review status: criteria provided, single submitter. Criteria: EGL ClinVar v180209 classification definitions. Collection method: clinical testing. Allele origin: germline. Observed: 17 variant alleles, 16 heterozygotes, 1 homozygote.

Illumina Laboratory Services, Illumina
Classification: Likely benign for Senior-Loken syndrome 4. Last evaluated: 2018-01-13. Review status: criteria provided, single submitter. Criteria: ICSL Variant Classification Criteria 13 December 2019. Collection method: clinical testing. Allele origin: germline.
Comment: This variant was observed in the ICSL laboratory as part of a predisposition screen in an ostensibly healthy population. It had not been previously curated by ICSL or reported in the Human Gene Mutation Database (HGMD: prior to June 1st, 2018), and was therefore a candidate for classification through an automated scoring system. Utilizing variant allele frequency, disease prevalence and penetrance estimates, and inheritance mode, an automated score was calculated to assess if this variant is too frequent to cause the disease. Based on the score and internal cut-off values, a variant classified as likely benign is not then subjected to further curation. The score for this variant resulted in a classification of likely benign for this disease.

Illumina Laboratory Services, Illumina
Classification: Likely benign for Nephronophthisis 4. Last evaluated: 2018-01-13. Review status: criteria provided, single submitter. Criteria: ICSL Variant Classification Criteria 13 December 2019. Collection method: clinical testing. Allele origin: germline.
Comment: the same text as in the submission from Illumina Laboratory Services, Illumina above.

Clinical Genetics DNA and cytogenetics Diagnostics Lab, Erasmus MC, Erasmus Medical Center
Classification: Likely benign. Review status: no assertion criteria provided. Collection method: clinical testing. Allele origin: germline. Affected: yes. Study: VKGL Data-share Consensus. Not counted in ClinVar's aggregate classification.

Clinical Genetics, Academic Medical Center
Classification: Benign. Review status: no assertion criteria provided. Collection method: clinical testing. Allele origin: germline. Affected: yes. Study: VKGL Data-share Consensus. Not counted in ClinVar's aggregate classification.